The following is an entry in ClinVar:

NM_007294.4(BRCA1):c.80+1245G>A

Gene: BRCA1 (BRCA1 DNA repair associated; minus strand). Cytogenetic location: 17q21.31.
Variant type: single nucleotide variant.
Coding change: c.80+1245G>A on transcript NM_007294.4 (MANE Select); 1245 bases into the intron after coding-DNA position 80, G replaced by A.
Molecular consequence: intron variant.
Genome position (GRCh38, 1-based): chr17:43,122,772, C>T on the plus strand (G>A on the coding strand, the complement: BRCA1 is on the minus strand). VCF-style: chr17-43122772-C-T. GRCh37 (hg19) VCF-style: chr17-41274789-C-T.
Other names: IVS 2+1245G>A; c.80+1245G>A (NM_001407658.1, NM_001407653.1, NM_001407646.1 and 192 more transcripts); c.-109+1245G>A (NM_001407958.1, NM_001407955.1, NM_001408493.1 and 46 more transcripts); c.-340+1245G>A (NM_001407965.1); c.-178+1245G>A (NM_001407930.1, NM_001407843.1, NM_001408456.1 and 11 more transcripts); c.-182+1245G>A (NM_001408465.1, NM_001407695.1); c.-254+1245G>A (NM_001408482.1); c.-207+1245G>A (NM_001407920.1, NM_001407697.1, NM_001407846.1); and 24 more.
Identifiers: ClinVar variation 209566 (VCV000209566.2), dbSNP rs8176085, ClinGen allele CA276535.

ClinVar aggregate classification (germline): Benign (3 of 4 stars; one submission).

Conditions:
Breast-ovarian cancer, familial, susceptibility to, 1 (BROVCA1). Also called: BRCA1 Hereditary Breast and Ovarian Cancer; OVARIAN CANCER, SUSCEPTIBILITY TO. Identifiers: Orphanet 145, MedGen C2676676, MONDO:0011450, OMIM 604370. Disease mechanism: loss of function.

Allele frequency attached by ClinVar (database versions not stated): TOPMed 0.00962; 1000 Genomes Project 0.00978; gnomAD 0.00821 and 0.00889; 1000 Genomes Project 30x 0.01046.
gnomAD v4.1: 1,237 of 151,706 alleles (0.82%); highest among the groups gnomAD compares: African/African-American, 2.8%; 16 homozygotes.

Submission:

Evidence-based Network for the Interpretation of Germline Mutant Alleles (ENIGMA)
Classification: Benign for Breast-ovarian cancer, familial 1. Last evaluated: 2015-01-12. Review status: reviewed by expert panel. Criteria: ENIGMA BRCA1/2 Classification Criteria (2015). Collection method: curation. Allele origin: germline.
Comment: Class 1 not pathogenic based on frequency >1% in an outbred sampleset. Frequency 0.06098 (African), derived from 1000 genomes (2012-04-30).